The following is an entry in ClinVar:

ClinVar aggregate classification (germline): Uncertain significance. Review status: criteria provided, multiple submitters, no conflicts (2 of 4 stars). 2 submissions from 2 submitters: Uncertain significance (2). Last evaluated 2022-08-13.

Conditions:
Inborn genetic diseases. Identifiers: MedGen C0950123, MeSH D030342.

Allele frequency attached by ClinVar (database versions not stated): ExAC 0.00001; gnomAD 0.00001; gnomAD exomes 0.00001; TOPMed 0.00003; ESP Exome Variant Server 0.00008.
gnomAD v4.1: 19 of 1,613,920 alleles (0.0012%); highest among the groups gnomAD compares: Non-Finnish European, 0.0016%; no homozygotes.

Submissions (2):

Labcorp Genetics (formerly Invitae), Labcorp
Classification: Uncertain significance. Last evaluated: 2022-08-13. Review status: criteria provided, single submitter. Criteria: Invitae Variant Classification Sherloc (09022015). Collection method: clinical testing. Allele origin: germline.
Comment: This sequence change replaces valine, which is neutral and non-polar, with alanine, which is neutral and non-polar, at codon 9 of the MAP3K20 protein (p.Val9Ala). The frequency data for this variant in the population databases is considered unreliable, as metrics indicate poor data quality at this position in the gnomAD database. This variant has not been reported in the literature in individuals affected with MAP3K20-related conditions. Experimental studies and prediction algorithms are not available or were not evaluated, and the functional significance of this variant is currently unknown. In summary, the available evidence is currently insufficient to determine the role of this variant in disease. Therefore, it has been classified as a Variant of Uncertain Significance.

Ambry Genetics
Classification: Uncertain significance for Inborn genetic diseases. Last evaluated: 2021-07-15. Review status: criteria provided, single submitter. Criteria: Ambry Variant Classification Scheme 2023. Collection method: clinical testing. Allele origin: germline.

NM_016653.3(MAP3K20):c.26T>C (p.Val9Ala)

Gene: MAP3K20 (mitogen-activated protein kinase kinase kinase 20; plus strand). Cytogenetic location: 2q31.1.
Variant type: single nucleotide variant.
Coding change: c.26T>C on transcript NM_016653.3 (MANE Select); coding-DNA position 26, T replaced by C.
Protein change: p.Val9Ala; replaces valine 9 with alanine.
Molecular consequence: missense variant.
Genome position (GRCh38, 1-based): chr2:173,091,057, T>C. VCF-style: chr2-173091057-T-C. GRCh37 (hg19) VCF-style: chr2-173955785-T-C.
Other names: c.26T>C, p.Val9Ala (NM_133646.3); short protein forms V9A.
Identifiers: ClinVar variation 1897247 (VCV001897247.3), dbSNP rs148183363, ClinGen allele CA1970293.